The following is an entry in ClinVar:

NM_001042492.3(NF1):c.433C>T (p.Leu145Phe)

Gene: NF1 (neurofibromin 1; plus strand). Cytogenetic location: 17q11.2.
Variant type: single nucleotide variant.
Coding change: c.433C>T on transcript NM_001042492.3 (MANE Select); coding-DNA position 433, C replaced by T.
Protein change: p.Leu145Phe; replaces leucine 145 with phenylalanine.
Molecular consequence: missense variant.
Genome position (GRCh38, 1-based): chr17:31,163,330, C>T. VCF-style: chr17-31163330-C-T. GRCh37 (hg19) VCF-style: chr17-29490348-C-T.
Other names: c.433C>T, p.Leu145Phe (NM_000267.4, NM_001128147.3); short protein forms L145F.
Identifiers: ClinVar variation 457699 (VCV000457699.11), dbSNP rs786203460, ClinGen allele CA398981939.
Genomic context (GRCh38, chr17:31,163,330, plus strand): 5'-CGTGAAGGAAACCAGCATGCAGCTGAACTTCGGAATTCTGCCTCTGGGGTTTTATTTTCT[C>T]TCAGCTGCAACAACTTCAATGCAGTCTTTAGTCGCATTTCTACCAGGTTAGTGTGTAAAT-3'
Protein context (NP_001035957.1, residues 135-155): RNSASGVLFS[Leu145Phe]SCNNFNAVFS

ClinVar aggregate classification (germline): Uncertain significance. Review status: criteria provided, multiple submitters, no conflicts (2 of 4 stars). 3 submissions from 3 submitters: Uncertain significance (3). Last evaluated 2025-10-15.

Conditions:
Cardiovascular phenotype. Identifiers: MedGen CN230736.
Hereditary cancer-predisposing syndrome. Also called: Hereditary Cancer Syndrome; Hereditary neoplastic syndrome; Tumor predisposition; Neoplastic Syndromes, Hereditary. Identifiers: Orphanet 140162, MedGen C0027672, MeSH D009386, MONDO:0015356.
Neurofibromatosis, type 1 (NF1). Also called: VON RECKLINGHAUSEN DISEASE; NEUROFIBROMATOSIS, TYPE I, SOMATIC; Peripheral type neurofibromatosis; Neurofibromatosis, type I. Identifiers: Orphanet 636, MedGen C0027831, MONDO:0018975, OMIM 162200. Disease mechanism: loss of function.

Submissions (3):

Ambry Genetics
Classification: Uncertain significance for Cardiovascular phenotype; Hereditary cancer-predisposing syndrome. Last evaluated: 2025-10-15. Review status: criteria provided, single submitter. Criteria: Ambry Variant Classification Scheme 2023. Collection method: clinical testing. Allele origin: germline.
Comment: The p.L145F variant (also known as c.433C>T), located in coding exon 4 of the NF1 gene, results from a C to T substitution at nucleotide position 433. The leucine at codon 145 is replaced by phenylalanine, an amino acid with highly similar properties. This amino acid position is highly conserved in available vertebrate species. In addition, this alteration is predicted to be deleterious by in silico analysis. Since supporting evidence is limited at this time, the clinical significance of this variant remains unclear.

Labcorp Genetics (formerly Invitae), Labcorp
Classification: Uncertain significance for Neurofibromatosis, type 1. Last evaluated: 2022-09-25. Review status: criteria provided, single submitter. Criteria: Invitae Variant Classification Sherloc (09022015). Collection method: clinical testing. Allele origin: germline.
Comment: This sequence change replaces leucine, which is neutral and non-polar, with phenylalanine, which is neutral and non-polar, at codon 145 of the NF1 protein (p.Leu145Phe). This variant is not present in population databases (gnomAD no frequency). This variant has not been reported in the literature in individuals affected with NF1-related conditions. ClinVar contains an entry for this variant (Variation ID: 457699). Advanced modeling of protein sequence and biophysical properties (such as structural, functional, and spatial information, amino acid conservation, physicochemical variation, residue mobility, and thermodynamic stability) performed at Invitae indicates that this missense variant is expected to disrupt NF1 protein function. In summary, the available evidence is currently insufficient to determine the role of this variant in disease. Therefore, it has been classified as a Variant of Uncertain Significance.

Genome-Nilou Lab
Classification: Uncertain significance for Neurofibromatosis, type 1. Last evaluated: 2022-03-15. Review status: criteria provided, single submitter. Criteria: ACMG Guidelines, 2015. Collection method: clinical testing. Allele origin: germline. Affected: no.